The following is an entry in ClinVar:

ClinVar aggregate classification (germline): Uncertain significance (1 of 4 stars; one submission).

Submission:

Labcorp Genetics (formerly Invitae), Labcorp
Classification: Uncertain significance. Last evaluated: 2024-10-28. Review status: criteria provided, single submitter. Criteria: Invitae Variant Classification Sherloc (09022015). Collection method: clinical testing. Allele origin: germline.
Comment: This sequence change falls in intron 25 of the SCN3A gene. It does not directly change the encoded amino acid sequence of the SCN3A protein. It affects a nucleotide within the consensus splice site. This variant is not present in population databases (gnomAD no frequency). This variant has not been reported in the literature in individuals affected with SCN3A-related conditions. Variants that disrupt the consensus splice site are a relatively common cause of aberrant splicing (PMID: 17576681, 9536098). Algorithms developed to predict the effect of sequence changes on RNA splicing suggest that this variant may disrupt the consensus splice site. In summary, the available evidence is currently insufficient to determine the role of this variant in disease. Therefore, it has been classified as a Variant of Uncertain Significance.

Literature cited by the submitters: PubMed 17576681; PubMed 9536098.

NM_006922.4(SCN3A):c.4431+3A>G

Gene: SCN3A (sodium voltage-gated channel alpha subunit 3; minus strand). Cytogenetic location: 2q24.3.
Variant type: single nucleotide variant.
Coding change: c.4431+3A>G on transcript NM_006922.4 (MANE Select); 3 bases into the intron after coding-DNA position 4431, A replaced by G.
Molecular consequence: intron variant.
Genome position (GRCh38, 1-based): chr2:165,095,508, T>C on the plus strand (A>G on the coding strand, the complement: SCN3A is on the minus strand). VCF-style: chr2-165095508-T-C. GRCh37 (hg19) VCF-style: chr2-165952018-T-C.
Other names: c.4284+3A>G (NM_001081676.2, NM_001081677.2).
Identifiers: ClinVar variation 3669125 (VCV003669125.2).